The following is an entry in ClinVar:

ClinVar aggregate classification (germline): Likely benign (1 of 4 stars; one submission).

Submission:

CeGaT Center for Human Genetics Tuebingen
Classification: Likely benign. Last evaluated: 2026-05-01. Review status: criteria provided, single submitter. Criteria: CeGaT Center For Human Genetics Tuebingen Variant Classification Criteria Version 2. Collection method: clinical testing. Allele origin: germline. Affected: yes. Observed: 2 variant alleles.
Comment: AC187652.1: BP4, BP7

NC_000007.14:g.263083C>T

Variant type: single nucleotide variant.
Genome position: GRCh38 VCF-style: chr7-263083-C-T. GRCh37 (hg19) VCF-style: chr7-303049-C-T.
Identifiers: ClinVar variation 4873186 (VCV004873186.2).